The following is an entry in ClinVar:

NC_000011.10:g.8038995C>T

Gene: TUB (TUB bipartite transcription factor; plus strand). Cytogenetic location: 11p15.4.
Variant type: single nucleotide variant.
Molecular consequence: missense variant (on NM_003320.5). On other transcripts: intron variant (4).
Genome position: GRCh38 VCF-style: chr11-8038995-C-T. GRCh37 (hg19) VCF-style: chr11-8060542-C-T.
Other names: c.122C>T, p.Pro41Leu (NM_003320.5); c.56+19637C>T (NM_001440538.1, NM_001440539.1, NM_001440540.1 and 1 more transcripts); short protein forms P41L.
Identifiers: ClinVar variation 1486167 (VCV001486167.7), dbSNP rs2133727829, ClinGen allele CA379566323.

ClinVar aggregate classification (germline): Uncertain significance (1 of 4 stars; one submission).

Submission:

Labcorp Genetics (formerly Invitae), Labcorp
Classification: Uncertain significance. Last evaluated: 2022-02-24. Review status: criteria provided, single submitter. Criteria: Invitae Variant Classification Sherloc (09022015). Collection method: clinical testing. Allele origin: germline.
Comment: In summary, the available evidence is currently insufficient to determine the role of this variant in disease. Therefore, it has been classified as a Variant of Uncertain Significance. Algorithms developed to predict the effect of missense changes on protein structure and function (SIFT, PolyPhen-2, Align-GVGD) all suggest that this variant is likely to be tolerated. This variant has not been reported in the literature in individuals affected with TUB-related conditions. This variant is not present in population databases (gnomAD no frequency). This sequence change replaces proline, which is neutral and non-polar, with leucine, which is neutral and non-polar, at codon 41 of the TUB protein (p.Pro41Leu).